The following is an entry in ClinVar:

NM_016042.4(EXOSC3):c.714G>A (p.Trp238Ter)

Gene: EXOSC3 (exosome component 3; minus strand). Cytogenetic location: 9p13.2.
Variant type: single nucleotide variant.
Coding change: c.714G>A on transcript NM_016042.4 (MANE Select); coding-DNA position 714, G replaced by A.
Protein change: p.Trp238Ter; replaces tryptophan 238 with a stop codon.
Molecular consequence: nonsense. On other transcripts: 3 prime UTR variant (1).
Genome position (GRCh38, 1-based): chr9:37,780,793, C>T on the plus strand (G>A on the coding strand, the complement: EXOSC3 is on the minus strand). VCF-style: chr9-37780793-C-T. GRCh37 (hg19) VCF-style: chr9-37780790-C-T.
Other names: c.*67G>A (NM_001002269.2); short protein forms W238*.
Identifiers: ClinVar variation 2767586 (VCV002767586.3), dbSNP rs944335096, ClinGen allele CA373474712.

ClinVar aggregate classification (germline): Pathogenic (1 of 4 stars; one submission).

Conditions:
Pontocerebellar hypoplasia type 1B. Also called: EXOSC3 Pontocerebellar Hypoplasia. Identifiers: Orphanet 2254, MedGen C3553449, MONDO:0013853, OMIM 614678.

Allele frequency attached by ClinVar (database versions not stated): gnomAD exomes below 0.00001; TOPMed below 0.00001.
gnomAD v4.1: 1 of 1,613,878 alleles (0.000062%); highest among the groups gnomAD compares: Non-Finnish European, 0.000085%; no homozygotes.

Submission:

Labcorp Genetics (formerly Invitae), Labcorp
Classification: Pathogenic for Pontocerebellar hypoplasia type 1B. Last evaluated: 2023-10-11. Review status: criteria provided, single submitter. Criteria: Invitae Variant Classification Sherloc (09022015). Collection method: clinical testing. Allele origin: germline.
Comment: This sequence change creates a premature translational stop signal (p.Trp238*) in the EXOSC3 gene. While this is not anticipated to result in nonsense mediated decay, it is expected to disrupt the last 38 amino acid(s) of the EXOSC3 protein. This variant is not present in population databases (gnomAD no frequency). This variant has not been reported in the literature in individuals affected with EXOSC3-related conditions. This variant disrupts a region of the EXOSC3 protein in which other variant(s) (p.Trp238) have been determined to be pathogenic (PMID: 22544365, 27777260, 28053271). This suggests that this is a clinically significant region of the protein, and that variants that disrupt it are likely to be disease-causing. For these reasons, this variant has been classified as Pathogenic.

Literature cited by the submitters: PubMed 22544365; PubMed 27777260; PubMed 28053271.